The following is an entry in ClinVar:

NM_014915.3(ANKRD26):c.538C>T (p.Leu180Phe)

Gene: ANKRD26 (ankyrin repeat domain 26; minus strand). Cytogenetic location: 10p12.1.
Variant type: single nucleotide variant.
Coding change: c.538C>T on transcript NM_014915.3 (MANE Select); coding-DNA position 538, C replaced by T.
Protein change: p.Leu180Phe; replaces leucine 180 with phenylalanine.
Molecular consequence: missense variant.
Genome position (GRCh38, 1-based): chr10:27,092,506, G>A on the plus strand (C>T on the coding strand, the complement: ANKRD26 is on the minus strand). VCF-style: chr10-27092506-G-A. GRCh37 (hg19) VCF-style: chr10-27381435-G-A.
Other names: c.538C>T, p.Leu180Phe (NM_001256053.2); short protein forms L180F.
Identifiers: ClinVar variation 3359970 (VCV003359970.5).

ClinVar aggregate classification (germline): Conflicting classifications of pathogenicity. Review status: criteria provided, conflicting classifications (1 of 4 stars). 4 submissions from 4 submitters: Uncertain significance (3); Likely benign (1). Last evaluated 2024-11-27.

Conditions:
Inborn genetic diseases. Identifiers: MedGen C0950123, MeSH D030342.

gnomAD v4.1: 13 of 1,612,256 alleles (0.00081%); highest among the groups gnomAD compares: African/African-American, 0.0013%; no homozygotes.

Submissions (4):

Labcorp Genetics (formerly Invitae), Labcorp
Classification: Uncertain significance. Last evaluated: 2024-11-27. Review status: criteria provided, single submitter. Criteria: Invitae Variant Classification Sherloc (09022015). Collection method: clinical testing. Allele origin: germline.
Comment: This sequence change replaces leucine, which is neutral and non-polar, with phenylalanine, which is neutral and non-polar, at codon 180 of the ANKRD26 protein (p.Leu180Phe). This variant is present in population databases (rs765723661, gnomAD 0.002%). This variant has not been reported in the literature in individuals affected with ANKRD26-related conditions. An algorithm developed to predict the effect of missense changes on protein structure and function outputs the following: PolyPhen-2: "Benign". The phenylalanine amino acid residue is found in multiple mammalian species, which suggests that this missense change does not adversely affect protein function. In summary, the available evidence is currently insufficient to determine the role of this variant in disease. Therefore, it has been classified as a Variant of Uncertain Significance.

Ambry Genetics
Classification: Uncertain significance for Inborn genetic diseases. Last evaluated: 2024-11-25. Review status: criteria provided, single submitter. Criteria: Ambry Variant Classification Scheme 2023. Collection method: clinical testing. Allele origin: germline.
Comment: The p.L180F variant (also known as c.538C>T), located in coding exon 4 of the ANKRD26 gene, results from a C to T substitution at nucleotide position 538. The leucine at codon 180 is replaced by phenylalanine, an amino acid with highly similar properties. This amino acid position is conserved. In addition, this alteration is predicted to be tolerated by in silico analysis. Based on the available evidence, the clinical significance of this variant remains unclear.

Blueprint Genetics
Classification: Likely benign. Last evaluated: 2024-05-06. Review status: criteria provided, single submitter. Criteria: ACMG Guidelines, 2015. Collection method: clinical testing. Allele origin: germline.

GeneDx
Classification: Uncertain significance. Last evaluated: 2023-06-15. Review status: criteria provided, single submitter. Criteria: GeneDx Variant Classification Process June 2021. Collection method: clinical testing. Allele origin: germline. Affected: yes.
Comment: Not observed at significant frequency in large population cohorts (gnomAD); In silico analysis supports that this missense variant does not alter protein structure/function; Has not been previously published as pathogenic or benign to our knowledge